The following is an entry in ClinVar:

NM_000875.5(IGF1R):c.1948C>T (p.Arg650Trp)

Gene: IGF1R (insulin like growth factor 1 receptor; plus strand). Cytogenetic location: 15q26.3.
Variant type: single nucleotide variant.
Coding change: c.1948C>T on transcript NM_000875.5 (MANE Select); coding-DNA position 1948, C replaced by T.
Protein change: p.Arg650Trp; replaces arginine 650 with tryptophan.
Molecular consequence: missense variant.
Genome position (GRCh38, 1-based): chr15:98,916,083, C>T. VCF-style: chr15-98916083-C-T. GRCh37 (hg19) VCF-style: chr15-99459312-C-T.
Other names: c.1948C>T, p.Arg650Trp (NM_001291858.2); short protein forms R650W.
Identifiers: ClinVar variation 2504909 (VCV002504909.5), dbSNP rs2151681390, ClinGen allele CA393679861.

ClinVar aggregate classification (germline): Uncertain significance. Review status: criteria provided, multiple submitters, no conflicts (2 of 4 stars). 3 submissions from 3 submitters: Uncertain significance (3). Last evaluated 2026-06-12.

Allele frequency attached by ClinVar (database versions not stated): gnomAD exomes below 0.00001.
gnomAD v4.1: 1 of 1,614,146 alleles (0.000062%); highest among the groups gnomAD compares: Non-Finnish European, 0.000085%; no homozygotes.

Submissions (3):

Women's Health and Genetics/Laboratory Corporation of America, LabCorp
Classification: Uncertain significance. Last evaluated: 2026-06-12. Review status: criteria provided, single submitter. Criteria: LabCorp Variant Classification Summary - May 2015. Collection method: clinical testing. Allele origin: germline.
Comment: Variant summary: IGF1R c.1948C>T (p.Arg650Trp) results in a non-conservative amino acid change in the encoded protein sequence. Algorithms developed to predict the effect of missense changes on protein structure and function are either unavailable or do not agree on the potential impact of this missense change. The variant was absent in 251478 control chromosomes. The available data on variant occurrences in the general population are insufficient to allow any conclusion about variant significance. To our knowledge, no occurrence of c.1948C>T in individuals affected with IGF1R-related conditions and no experimental evidence demonstrating its impact on protein function have been reported. ClinVar contains an entry for this variant (Variation ID: 2504909). Based on the evidence outlined above, the variant was classified as uncertain significance.

Labcorp Genetics (formerly Invitae), Labcorp
Classification: Uncertain significance. Last evaluated: 2024-04-16. Review status: criteria provided, single submitter. Criteria: Invitae Variant Classification Sherloc (09022015). Collection method: clinical testing. Allele origin: germline.
Comment: This sequence change replaces arginine, which is basic and polar, with tryptophan, which is neutral and slightly polar, at codon 650 of the IGF1R protein (p.Arg650Trp). This variant is not present in population databases (gnomAD no frequency). This variant has not been reported in the literature in individuals affected with IGF1R-related conditions. ClinVar contains an entry for this variant (Variation ID: 2504909). Advanced modeling of protein sequence and biophysical properties (such as structural, functional, and spatial information, amino acid conservation, physicochemical variation, residue mobility, and thermodynamic stability) performed at Invitae indicates that this missense variant is not expected to disrupt IGF1R protein function with a negative predictive value of 80%. In summary, the available evidence is currently insufficient to determine the role of this variant in disease. Therefore, it has been classified as a Variant of Uncertain Significance.

GeneDx
Classification: Uncertain significance. Last evaluated: 2022-12-07. Review status: criteria provided, single submitter. Criteria: GeneDx Variant Classification Process June 2021. Collection method: clinical testing. Allele origin: germline. Affected: yes.
Comment: Not observed at significant frequency in large population cohorts (gnomAD); In silico analysis supports that this missense variant has a deleterious effect on protein structure/function; Has not been previously published as pathogenic or benign to our knowledge